The following is an entry in ClinVar:

ClinVar aggregate classification (germline): Uncertain significance (1 of 4 stars; one submission).

Allele frequency attached by ClinVar (database versions not stated): TOPMed below 0.00001.

Submission:

Labcorp Genetics (formerly Invitae), Labcorp
Classification: Uncertain significance. Last evaluated: 2022-08-15. Review status: criteria provided, single submitter. Criteria: Invitae Variant Classification Sherloc (09022015). Collection method: clinical testing. Allele origin: germline.
Comment: In summary, the available evidence is currently insufficient to determine the role of this variant in disease. Therefore, it has been classified as a Variant of Uncertain Significance. Algorithms developed to predict the effect of sequence changes on RNA splicing suggest that this variant may create or strengthen a splice site. Algorithms developed to predict the effect of missense changes on protein structure and function are either unavailable or do not agree on the potential impact of this missense change (SIFT: "Not Available"; PolyPhen-2: "Benign"; Align-GVGD: "Not Available"). This variant has not been reported in the literature in individuals affected with VPS13D-related conditions. This variant is not present in population databases (gnomAD no frequency). This sequence change replaces asparagine, which is neutral and polar, with lysine, which is basic and polar, at codon 2433 of the VPS13D protein (p.Asn2433Lys).

NM_015378.4(VPS13D):c.7299C>G (p.Asn2433Lys)

Gene: VPS13D (vacuolar protein sorting 13 homolog D; plus strand). Cytogenetic location: 1p36.22.
Variant type: single nucleotide variant.
Coding change: c.7299C>G on transcript NM_015378.4 (MANE Select); coding-DNA position 7299, C replaced by G.
Protein change: p.Asn2433Lys; replaces asparagine 2433 with lysine.
Molecular consequence: missense variant.
Genome position (GRCh38, 1-based): chr1:12,318,222, C>G. VCF-style: chr1-12318222-C-G. GRCh37 (hg19) VCF-style: chr1-12378279-C-G.
Other names: c.7299C>G, p.Asn2433Lys (NM_018156.4); short protein forms N2433K.
Identifiers: ClinVar variation 1952227 (VCV001952227.5), dbSNP rs1642941047, ClinGen allele CA338493910.
Genomic context (GRCh38, chr1:12,318,222, plus strand): 5'-TCTCCACACTCCCAGTGATATTAAGAAACAAAATCATGTTACTCCTTCTCGCCACCGTAA[C>G]TCTAGCAGCGAATCTGCTATAGTTCCCAAAACTGTGAAGAGTGGAGTAGTTACCAAGCGG-3'
Protein context (NP_056193.2, residues 2423-2443): QNHVTPSRHR[Asn2433Lys]SSSESAIVPK